The following is an entry in ClinVar:

NM_007272.3(CTRC):c.301T>G (p.Phe101Val)

Gene: CTRC (chymotrypsin C; plus strand). Cytogenetic location: 1p36.21.
Variant type: single nucleotide variant.
Coding change: c.301T>G on transcript NM_007272.3 (MANE Select); coding-DNA position 301, T replaced by G.
Protein change: p.Phe101Val; replaces phenylalanine 101 with valine.
Molecular consequence: missense variant.
Genome position (GRCh38, 1-based): chr1:15,442,517, T>G. VCF-style: chr1-15442517-T-G. GRCh37 (hg19) VCF-style: chr1-15769013-T-G.
Other names: short protein forms F101V.
Identifiers: ClinVar variation 4235807 (VCV004235807.1).

ClinVar aggregate classification (germline): Uncertain significance (1 of 4 stars; one submission).

Conditions:
Hereditary pancreatitis (PCTT). Also called: Hereditary chronic pancreatitis; PRSS1-Related Hereditary Pancreatitis. Identifiers: Orphanet 676, MedGen C0238339, MONDO:0008185, OMIM 167800.

Submission:

Ambry Genetics
Classification: Uncertain significance for Hereditary pancreatitis. Last evaluated: 2025-09-02. Review status: criteria provided, single submitter. Criteria: Ambry Variant Classification Scheme 2023. Collection method: clinical testing. Allele origin: germline.
Comment: The p.F101V variant (also known as c.301T>G), located in coding exon 4 of the CTRC gene, results from a T to G substitution at nucleotide position 301. The phenylalanine at codon 101 is replaced by valine, an amino acid with highly similar properties. This amino acid position is conserved. In addition, this alteration is predicted to be tolerated by in silico analysis. Based on the available evidence, the clinical significance of this variant remains unclear.